The following is an entry in ClinVar:

ClinVar aggregate classification (germline): Conflicting classifications of pathogenicity. Review status: criteria provided, conflicting classifications (1 of 4 stars). 7 submissions from 7 submitters: Uncertain significance (1); Benign (3); Likely benign (3). Last evaluated 2025-12-08.

Conditions:
Microcephaly 7, primary, autosomal recessive. Identifiers: Orphanet 2512, MedGen C2675187, MONDO:0012989, OMIM 612703.

Allele frequency attached by ClinVar (database versions not stated): gnomAD exomes 0.00058 and 0.00083; ExAC 0.00099; ESP Exome Variant Server 0.00300; gnomAD 0.00300 and 0.00323; 1000 Genomes Project 30x 0.00312; 1000 Genomes Project 0.00319; TOPMed 0.00331.
gnomAD v4.1: 1,332 of 1,613,536 alleles (0.083%); highest among the groups gnomAD compares: African/African-American, 1%; 4 homozygotes.

Submissions (7):

Labcorp Genetics (formerly Invitae), Labcorp
Classification: Benign. Last evaluated: 2025-12-08. Review status: criteria provided, single submitter. Criteria: Invitae Variant Classification Sherloc (09022015). Collection method: clinical testing. Allele origin: germline.

CeGaT Center for Human Genetics Tuebingen
Classification: Likely benign. Last evaluated: 2025-05-01. Review status: criteria provided, single submitter. Criteria: CeGaT Center For Human Genetics Tuebingen Variant Classification Criteria Version 2. Collection method: clinical testing. Allele origin: germline. Affected: yes. Observed: 3 variant alleles.
Comment: STIL: BP4, BS1

GeneDx
Classification: Likely benign. Last evaluated: 2019-08-22. Review status: criteria provided, single submitter. Criteria: GeneDx Variant Classification Process June 2021. Collection method: clinical testing. Allele origin: germline. Affected: yes.
Comment: This variant is associated with the following publications: (PMID: 23772360)

Illumina Laboratory Services, Illumina
Classification: Uncertain significance for Microcephaly 7, primary, autosomal recessive. Last evaluated: 2017-04-27. Review status: criteria provided, single submitter. Criteria: ICSL Variant Classification Criteria 13 December 2019. Collection method: clinical testing. Allele origin: germline.
Comment: This variant was observed as part of a predisposition screen in an ostensibly healthy population. A literature search was performed for the gene, cDNA change, and amino acid change (where applicable). Publications were found based on this search. However, the evidence from the literature, in combination with allele frequency data from public databases where available, was not sufficient to rule this variant in or out of causing disease. Therefore, this variant is classified as a variant of unknown significance.

Eurofins Ntd Llc (ga)
Classification: Benign. Last evaluated: 2016-08-17. Review status: criteria provided, single submitter. Criteria: EGL Classification Definitions 2015. Collection method: clinical testing. Allele origin: germline. Observed: 1 variant allele.

Center for Pediatric Genomic Medicine, Children's Mercy Hospital and Clinics
Classification: Likely benign. Last evaluated: 2015-10-28. Review status: criteria provided, single submitter. Criteria: ACMG Guidelines, 2015. Collection method: clinical testing. Allele origin: germline.
ClinVar note: Converted during submission from Likely Benign to Likely benign.

Genetic Services Laboratory, University of Chicago
Classification: Benign. Last evaluated: 2015-08-19. Review status: criteria provided, single submitter. Criteria: ACMG Guidelines, 2015. Collection method: clinical testing. Allele origin: germline. Affected: no.

Literature cited by the submitters: PubMed 23772360 (cited by Illumina Laboratory Services, Illumina).

NM_001048166.1(STIL):c.1055G>A (p.Arg352His)

Gene: STIL (STIL centriolar assembly protein; minus strand). Cytogenetic location: 1p33.
Variant type: single nucleotide variant.
Coding change: c.1055G>A on transcript NM_001048166.1 (MANE Select); coding-DNA position 1055, G replaced by A.
Protein change: p.Arg352His; replaces arginine 352 with histidine.
Molecular consequence: missense variant.
Genome position (GRCh38, 1-based): chr1:47,287,629, C>T on the plus strand (G>A on the coding strand, the complement: STIL is on the minus strand). VCF-style: chr1-47287629-C-T. GRCh37 (hg19) VCF-style: chr1-47753301-C-T.
Other names: c.1055G>A, p.Arg352His (NM_001282936.1, NM_001282937.1, NM_003035.2); c.914G>A, p.Arg305His (NM_001282938.1, NM_001282939.1); short protein forms R352H, R305H.
Identifiers: ClinVar variation 235445 (VCV000235445.49), dbSNP rs141678367, ClinGen allele CA842441.